The following is an entry in ClinVar:

NM_001035.3(RYR2):c.6976C>T (p.Arg2326Trp)

Gene: RYR2 (ryanodine receptor 2; plus strand). Cytogenetic location: 1q43.
Variant type: single nucleotide variant.
Coding change: c.6976C>T on transcript NM_001035.3 (MANE Select); coding-DNA position 6976, C replaced by T.
Protein change: p.Arg2326Trp; replaces arginine 2326 with tryptophan.
Molecular consequence: missense variant.
Genome position (GRCh38, 1-based): chr1:237,639,062, C>T. VCF-style: chr1-237639062-C-T. GRCh37 (hg19) VCF-style: chr1-237802362-C-T.
Other names: short protein forms R2326W.
Identifiers: ClinVar variation 1172136 (VCV001172136.10), dbSNP rs1207293121, ClinGen allele CA345395827.
Genomic context (GRCh38, chr1:237,639,062, plus strand): 5'-CATTCTACTTTAGGGGAGAGTGTGGAGGAAAATGCAAATGTCGTGGTGAGATTGCTCATT[C>T]GGAGGCCTGAGTGTTTTGGTCCTGCTTTGAGAGGAGAAGGTGGGAATGGGCTTCTTGCAG-3'
Protein context (NP_001026.2, residues 2316-2336): NANVVVRLLI[Arg2326Trp]RPECFGPALR

ClinVar aggregate classification (germline): Uncertain significance. Review status: criteria provided, multiple submitters, no conflicts (2 of 4 stars). 2 submissions from 2 submitters: Uncertain significance (2). Last evaluated 2024-10-28.

Conditions:
Cardiomyopathy (CMYO). Also called: Cardiomyopathies. Identifiers: Orphanet 167848, MedGen C0878544, MONDO:0004994, HP:0001638. Inheritance: Various modes of inheritance.
Catecholaminergic polymorphic ventricular tachycardia 1. Also called: VENTRICULAR TACHYCARDIA, STRESS-INDUCED POLYMORPHIC 1; VENTRICULAR TACHYCARDIA, CATECHOLAMINERGIC POLYMORPHIC, 1, WITH OR WITHOUT ATRIAL DYSFUNCTION AND/OR DILATED CARDIOMYOPATHY; RYR2-Related Catecholaminergic Polymorphic Ventricular Tachycardia. Identifiers: Orphanet 3286, MedGen C1631597, MONDO:0011484, OMIM 604772.

Allele frequency attached by ClinVar (database versions not stated): gnomAD exomes below 0.00001; TOPMed below 0.00001; gnomAD 0.00001.
gnomAD v4.1: 7 of 1,613,644 alleles (0.00043%); highest among the groups gnomAD compares: South Asian, 0.0011%; no homozygotes.

Submissions (2):

Labcorp Genetics (formerly Invitae), Labcorp
Classification: Uncertain significance for Catecholaminergic polymorphic ventricular tachycardia 1. Last evaluated: 2024-10-28. Review status: criteria provided, single submitter. Criteria: Invitae Variant Classification Sherloc (09022015). Collection method: clinical testing. Allele origin: germline.
Comment: This sequence change replaces arginine, which is basic and polar, with tryptophan, which is neutral and slightly polar, at codon 2326 of the RYR2 protein (p.Arg2326Trp). This variant is present in population databases (no rsID available, gnomAD 0.004%). This variant has not been reported in the literature in individuals affected with RYR2-related conditions. ClinVar contains an entry for this variant (Variation ID: 1172136). Invitae Evidence Modeling of protein sequence and biophysical properties (such as structural, functional, and spatial information, amino acid conservation, physicochemical variation, residue mobility, and thermodynamic stability) indicates that this missense variant is expected to disrupt RYR2 protein function with a positive predictive value of 95%. In summary, the available evidence is currently insufficient to determine the role of this variant in disease. Therefore, it has been classified as a Variant of Uncertain Significance.

Color Diagnostics, LLC DBA Color Health
Classification: Uncertain significance for Cardiomyopathy. Last evaluated: 2021-08-24. Review status: criteria provided, single submitter. Criteria: ACMG Guidelines, 2015. Collection method: clinical testing. Allele origin: germline.
Comment: This missense variant replaces arginine with tryptophan at codon 2326 of the RYR2 protein. Computational prediction suggests that this variant may have deleterious impact on protein structure and function (internally defined REVEL score threshold >= 0.7, PMID: 27666373). To our knowledge, functional studies have not been reported for this variant. This variant has not been reported in individuals affected with cardiovascular disorders in the literature. This variant has been identified in 1/249146 chromosomes in the general population by the Genome Aggregation Database (gnomAD). The available evidence is insufficient to determine the role of this variant in disease conclusively. Therefore, this variant is classified as a Variant of Uncertain Significance.